The following is an entry in ClinVar:

ClinVar aggregate classification (germline): Pathogenic (1 of 4 stars; one submission).

Conditions:
Holoprosencephaly 3 (HPE3). Identifiers: Orphanet 2162, MedGen C1840529, MONDO:0007733, OMIM 142945.

Submission:

Dubai Health Genomic Medicine Center, Dubai Health
Classification: Pathogenic for Holoprosencephaly 3. Last evaluated: 2024-10-04. Review status: criteria provided, single submitter. Criteria: ACMG Guidelines, 2015. Collection method: research. Allele origin: germline. Affected: yes.
Comment: PVS1,PS2,PM2

NM_000193.4(SHH):c.1308del (p.Gln437fs)

Gene: SHH (sonic hedgehog signaling molecule; minus strand). Cytogenetic location: 7q36.3.
Variant type: Deletion.
Coding change: c.1308del on transcript NM_000193.4 (MANE Select); coding-DNA position 1308, one base deleted (G; older notation c.1308delG).
Protein change: p.Gln437fs; shifts the reading frame from glutamine 437.
Molecular consequence: frameshift variant. On other transcripts: intron variant (1).
Genome position (GRCh38, 1-based): chr7:155,802,981, C deleted on the plus strand (G on the coding strand, the reverse complement: SHH is on the minus strand). VCF-style (leftmost placement, unchanged base first): chr7-155802980-GC-G. GRCh37 (hg19) VCF-style: chr7-155595674-GC-G.
Other names: c.302-2736del (NM_001310462.2); short protein forms Q437fs.
Identifiers: ClinVar variation 3384113 (VCV003384113.1).